The following is an entry in ClinVar:

ClinVar aggregate classification (germline): Pathogenic (0 of 4 stars; one submission).

Conditions:
Thyroglobulin synthesis defect (TDH5). Also called: HYPOTHYROIDISM, CONGENITAL, DUE TO DYSHORMONOGENESIS, 5; Thyroid dyshormonogenesis 5; THYROID HORMONOGENESIS, GENETIC DEFECT IN, 5. Identifiers: Orphanet 95716, MedGen C0342196, MONDO:0010137, OMIM 274900.

Allele frequency attached by ClinVar (database versions not stated): TOPMed 0.00001; ExAC 0.00002; gnomAD exomes 0.00002.

Submission:

Department of Pediatrics, Division of Medical Genetics, Faculty of Medicine Ramathibodi Hospital, Mahidol University
Classification: Pathogenic for Thyroglobulin synthesis defect. Last evaluated: 2020-05-13. Review status: no assertion criteria provided. Collection method: research. Allele origin: maternal. Inheritance: Autosomal recessive inheritance. Affected: yes. Observed: 1 variant allele, 1 compound heterozygote.

NM_207581.4(DUOXA2):c.604G>A (p.Ala202Thr)

Gene: DUOXA2 (dual oxidase maturation factor 2; plus strand). Cytogenetic location: 15q21.1.
Variant type: single nucleotide variant.
Coding change: c.604G>A on transcript NM_207581.4 (MANE Select); coding-DNA position 604, G replaced by A.
Protein change: p.Ala202Thr; replaces alanine 202 with threonine.
Molecular consequence: missense variant.
Genome position (GRCh38, 1-based): chr15:45,117,140, G>A. VCF-style: chr15-45117140-G-A. GRCh37 (hg19) VCF-style: chr15-45409338-G-A.
Other names: short protein forms A202T.
Identifiers: ClinVar variation 972709 (VCV000972709.2), dbSNP rs770148072, ClinGen allele CA7539467.